The following is an entry in ClinVar:

ClinVar aggregate classification (germline): Uncertain significance. Review status: criteria provided, multiple submitters, no conflicts (2 of 4 stars). 2 submissions from 2 submitters: Uncertain significance (2). Last evaluated 2022-10-19.

Conditions:
Inborn genetic diseases. Identifiers: MedGen C0950123, MeSH D030342.

Allele frequency attached by ClinVar (database versions not stated): gnomAD exomes below 0.00001; ExAC 0.00002.
gnomAD v4.1: 7 of 1,613,372 alleles (0.00043%); highest among the groups gnomAD compares: African/African-American, 0.0067%; no homozygotes.

Submissions (2):

Labcorp Genetics (formerly Invitae), Labcorp
Classification: Uncertain significance. Last evaluated: 2022-10-19. Review status: criteria provided, single submitter. Criteria: Invitae Variant Classification Sherloc (09022015). Collection method: clinical testing. Allele origin: germline.
Comment: This sequence change replaces valine, which is neutral and non-polar, with alanine, which is neutral and non-polar, at codon 257 of the C7 protein (p.Val257Ala). This variant is present in population databases (rs770373609, gnomAD 0.02%). This variant has not been reported in the literature in individuals affected with C7-related conditions. Advanced modeling of protein sequence and biophysical properties (such as structural, functional, and spatial information, amino acid conservation, physicochemical variation, residue mobility, and thermodynamic stability) performed at Invitae indicates that this missense variant is expected to disrupt C7 protein function. In summary, the available evidence is currently insufficient to determine the role of this variant in disease. Therefore, it has been classified as a Variant of Uncertain Significance.

Ambry Genetics
Classification: Uncertain significance for Inborn genetic diseases. Last evaluated: 2022-04-22. Review status: criteria provided, single submitter. Criteria: Ambry Variant Classification Scheme 2023. Collection method: clinical testing. Allele origin: germline.

NM_000587.4(C7):c.770T>C (p.Val257Ala)

Gene: C7 (complement C7; plus strand). Cytogenetic location: 5p13.1.
Variant type: single nucleotide variant.
Coding change: c.770T>C on transcript NM_000587.4 (MANE Select); coding-DNA position 770, T replaced by C.
Protein change: p.Val257Ala; replaces valine 257 with alanine.
Molecular consequence: missense variant.
Genome position (GRCh38, 1-based): chr5:40,947,633, T>C. VCF-style: chr5-40947633-T-C. GRCh37 (hg19) VCF-style: chr5-40947735-T-C.
Other names: short protein forms V257A.
Identifiers: ClinVar variation 2181168 (VCV002181168.2), dbSNP rs770373609, ClinGen allele CA3249768.
Genomic context (GRCh38, chr5:40,947,633, plus strand): 5'-ACTCCTTGTACTCTTTCTTCTTTCCACAGAGTTACCAACTGCTGGTTGTTGAGAACACTG[T>C]TGAAGTGGCTCAGTTCATTAATAACAATCCAGAATTTTTACAACTTGCTGAGCCATTCTG-3'
Protein context (NP_000578.2, residues 247-267): SYQLLVVENT[Val257Ala]EVAQFINNNP